The following is an entry in ClinVar:

ClinVar aggregate classification (germline): Pathogenic (1 of 4 stars; one submission).

Conditions:
Long QT syndrome (LQTS). Identifiers: MedGen C0023976, MeSH D008133, MONDO:0002442. Disease mechanism: loss of function. Inheritance: Various modes of inheritance.

Allele frequency attached by ClinVar (database versions not stated): gnomAD exomes 0.00001.

Submission:

Labcorp Genetics (formerly Invitae), Labcorp
Classification: Pathogenic for Long QT syndrome. Last evaluated: 2024-10-15. Review status: criteria provided, single submitter. Criteria: Invitae Variant Classification Sherloc (09022015). Collection method: clinical testing. Allele origin: germline.
Comment: This sequence change creates a premature translational stop signal (p.Gly16Valfs*268) in the KCNQ1 gene. It is expected to result in an absent or disrupted protein product. Loss-of-function variants in KCNQ1 are known to be pathogenic (PMID: 9323054, 19862833). The frequency data for this variant in the population databases is considered unreliable, as metrics indicate poor data quality at this position in the gnomAD database. This variant has not been reported in the literature in individuals affected with KCNQ1-related conditions. For these reasons, this variant has been classified as Pathogenic.

Literature cited by the submitters: PubMed 9323054; PubMed 19862833.

NM_000218.3(KCNQ1):c.47_48del (p.Gly16fs)

Gene: KCNQ1 (potassium voltage-gated channel subfamily Q member 1; plus strand). Cytogenetic location: 11p15.5.
Variant type: Deletion.
Coding change: c.47_48del on transcript NM_000218.3 (MANE Select); coding-DNA positions 47 to 48, 2 bases deleted (GT; older notation c.47_48delGT).
Protein change: p.Gly16fs; shifts the reading frame from glycine 16.
Molecular consequence: frameshift variant. On other transcripts: 5 prime UTR variant (1).
Genome position (GRCh38, 1-based): chr11:2,445,145-2,445,146, GT deleted. VCF-style (leftmost placement, unchanged base first): chr11-2445144-GGT-G. GRCh37 (hg19) VCF-style: chr11-2466374-GGT-G.
Other names: c.47_48del, p.Gly16fs (NM_001406836.1, NM_001406838.1); c.-316_-315del (NM_001406837.1); short protein forms G16fs.
Identifiers: ClinVar variation 2744490 (VCV002744490.3), dbSNP rs1480522268, ClinGen allele CA597432422.
Genomic context (GRCh38, chr11:2,445,144, plus strand): 5'-CAGGCCCTCCTCGTTATGGCCGCGGCCTCCTCCCCGCCCAGGGCCGAGAGGAAGCGCTGG[GGT>G]TGGGGCCGCCTGCCAGGCGCCCGGCGGGGCAGCGCGGGCCTGGCCAAGAAGTGCCCCTTC-3'